The following is an entry in ClinVar:

ClinVar aggregate classification (germline): Benign/Likely benign. Review status: criteria provided, multiple submitters, no conflicts (2 of 4 stars). 2 submissions from 2 submitters: Benign (1); Likely benign (1). Last evaluated 2026-06-01.

Conditions:
Cardiac malformation, cleft lip/palate, microcephaly, and digital anomalies. Also called: CLEFT PALATE, CARDIAC DEFECTS, AND IMPAIRED INTELLECTUAL DEVELOPMENT. Identifiers: MedGen C1832950, MONDO:0010970, OMIM 600987.

Allele frequency attached by ClinVar (database versions not stated): gnomAD exomes 0.00009; ExAC 0.00012; ESP Exome Variant Server 0.00038; gnomAD 0.00043 and 0.00044; TOPMed 0.00045; 1000 Genomes Project 30x 0.00047; 1000 Genomes Project 0.00060.
gnomAD v4.1: 129 of 1,614,148 alleles (0.008%); highest among the groups gnomAD compares: African/African-American, 0.16%; no homozygotes.

Submissions (2):

CeGaT Center for Human Genetics Tuebingen
Classification: Likely benign. Last evaluated: 2026-06-01. Review status: criteria provided, single submitter. Criteria: CeGaT Center For Human Genetics Tuebingen Variant Classification Criteria Version 2. Collection method: clinical testing. Allele origin: germline. Affected: yes. Observed: 1 variant allele.
Comment: MEIS2: BP4, BP7

Labcorp Genetics (formerly Invitae), Labcorp
Classification: Benign for Cardiac malformation, cleft lip/palate, microcephaly, and digital anomalies. Last evaluated: 2025-10-01. Review status: criteria provided, single submitter. Criteria: Invitae Variant Classification Sherloc (09022015). Collection method: clinical testing. Allele origin: germline.

NM_170675.5(MEIS2):c.630C>T (p.Leu210=)

Gene: MEIS2 (Meis homeobox 2; minus strand). Cytogenetic location: 15q14.
Variant type: single nucleotide variant.
Coding change: c.630C>T on transcript NM_170675.5 (MANE Select); coding-DNA position 630, C replaced by T.
Protein change: p.Leu210=; no amino-acid change (leucine 210 retained).
Molecular consequence: synonymous variant. On other transcripts: non-coding transcript variant (1).
Genome position (GRCh38, 1-based): chr15:37,093,590, G>A on the plus strand (C>T on the coding strand, the complement: MEIS2 is on the minus strand). VCF-style: chr15-37093590-G-A. GRCh37 (hg19) VCF-style: chr15-37385791-G-A.
Other names: c.630C>T, p.Leu210= (NM_001220482.2, NM_170674.5, NM_170676.5 and 1 more transcripts); c.591C>T, p.Leu197= (NM_002399.4, NM_172315.3); c.366C>T, p.Leu122= (NM_172316.3).
Identifiers: ClinVar variation 707649 (VCV000707649.12), dbSNP rs141907934, ClinGen allele CA7469339.